The following is an entry in ClinVar:

NM_020774.4(MIB1):c.1291del (p.Leu431fs)

Gene: MIB1 (MIB E3 ubiquitin protein ligase 1; plus strand). Cytogenetic location: 18q11.2.
Variant type: Deletion.
Coding change: c.1291del on transcript NM_020774.4 (MANE Select); coding-DNA position 1291, one base deleted (C; older notation c.1291delC).
Protein change: p.Leu431fs; shifts the reading frame from leucine 431.
Molecular consequence: frameshift variant.
Genome position (GRCh38, 1-based): chr18:21,799,894, C deleted; the last of 2 consecutive C bases (chr18:21,799,893-21,799,894); deleting either gives the same sequence. VCF-style (leftmost placement, unchanged base first): chr18-21799892-AC-A. GRCh37 (hg19) VCF-style: chr18-19379853-AC-A.
Other names: c.1291delC, p.Leu431Serfs (NM_020774.3); short protein forms L431fs.
Identifiers: ClinVar variation 3369892 (VCV003369892.1).

ClinVar aggregate classification (germline): Uncertain significance (1 of 4 stars; one submission).

Submission:

GeneDx
Classification: Uncertain significance. Last evaluated: 2024-03-05. Review status: criteria provided, single submitter. Criteria: GeneDx Variant Classification Process June 2021. Collection method: clinical testing. Allele origin: germline. Affected: yes.
Comment: Frameshift variant predicted to result in protein truncation or nonsense mediated decay in a gene or region of a gene for which loss of function is not a well-established mechanism of disease; Not observed at significant frequency in large population cohorts (gnomAD); Has not been previously published as pathogenic or benign to our knowledge